The following is an entry in ClinVar:

ClinVar aggregate classification (germline): Uncertain significance. Review status: criteria provided, multiple submitters, no conflicts (2 of 4 stars). 3 submissions from 3 submitters: Uncertain significance (3). Last evaluated 2025-01-06.

Conditions:
Inborn genetic diseases. Identifiers: MedGen C0950123, MeSH D030342.
Microcephaly and chorioretinopathy 1. Also called: Microcephaly and chorioretinopathy, autosomal recessive, 1. Identifiers: MedGen C3278481, MONDO:0009624, OMIM 251270.

Allele frequency attached by ClinVar (database versions not stated): ESP Exome Variant Server 0.00008; gnomAD 0.00009 and 0.00010; TOPMed 0.00012; 1000 Genomes Project 30x 0.00016; 1000 Genomes Project 0.00020.

Submissions (3):

Labcorp Genetics (formerly Invitae), Labcorp
Classification: Uncertain significance. Last evaluated: 2025-01-06. Review status: criteria provided, single submitter. Criteria: Invitae Variant Classification Sherloc (09022015). Collection method: clinical testing. Allele origin: germline.
Comment: This sequence change replaces glutamic acid, which is acidic and polar, with glutamine, which is neutral and polar, at codon 632 of the TUBGCP6 protein (p.Glu632Gln). This variant is present in population databases (rs199582514, gnomAD 0.02%). This variant has not been reported in the literature in individuals affected with TUBGCP6-related conditions. ClinVar contains an entry for this variant (Variation ID: 521246). An algorithm developed to predict the effect of missense changes on protein structure and function (PolyPhen-2) suggests that this variant is likely to be disruptive. Algorithms developed to predict the effect of sequence changes on RNA splicing suggest that this variant may create or strengthen a splice site. In summary, the available evidence is currently insufficient to determine the role of this variant in disease. Therefore, it has been classified as a Variant of Uncertain Significance.

Ambry Genetics
Classification: Uncertain significance for Inborn genetic diseases. Last evaluated: 2021-09-13. Review status: criteria provided, single submitter. Criteria: Ambry Variant Classification Scheme 2023. Collection method: clinical testing. Allele origin: germline.
Comment: The c.1894G>C (p.E632Q) alteration is located in coding exon 10 of the TUBGCP6 gene. This alteration results from a G to C substitution at nucleotide position 1894, causing the glutamic acid (E) at amino acid position 632 to be replaced by a glutamine (Q). Based on data from gnomAD, the C allele has an overall frequency of 0.01% (24/282528) total alleles studied. The highest observed frequency was 0.03% (2/7214) of Other alleles. This amino acid position is highly conserved in available vertebrate species. This alteration is predicted to be tolerated by in silico analysis. Based on insufficient or conflicting evidence, the clinical significance of this alteration remains unclear.

Baylor Genetics
Classification: Uncertain significance for Microcephaly and chorioretinopathy 1. Last evaluated: 2019-07-09. Review status: criteria provided, single submitter. Criteria: ACMG Guidelines, 2015. Collection method: clinical testing. Allele origin: unknown. Affected: yes.
Comment: This variant was determined to be of uncertain significance according to ACMG Guidelines, 2015 [PMID:25741868].

NM_020461.4(TUBGCP6):c.1894G>C (p.Glu632Gln)

Gene: TUBGCP6 (tubulin gamma complex component 6; minus strand). Cytogenetic location: 22q13.33.
Variant type: single nucleotide variant.
Coding change: c.1894G>C on transcript NM_020461.4 (MANE Select); coding-DNA position 1894, G replaced by C.
Protein change: p.Glu632Gln; replaces glutamic acid 632 with glutamine.
Molecular consequence: missense variant.
Genome position (GRCh38, 1-based): chr22:50,225,883, C>G on the plus strand (G>C on the coding strand, the complement: TUBGCP6 is on the minus strand). VCF-style: chr22-50225883-C-G. GRCh37 (hg19) VCF-style: chr22-50664312-C-G.
Other names: short protein forms E632Q.
Identifiers: ClinVar variation 521246 (VCV000521246.11), dbSNP rs199582514, ClinGen allele CA10308460.